The following is an entry in ClinVar:

NM_000255.4(MMUT):c.323G>T (p.Arg108Leu)

Gene: MMUT (methylmalonyl-CoA mutase; minus strand). Cytogenetic location: 6p12.3.
Variant type: single nucleotide variant.
Coding change: c.323G>T on transcript NM_000255.4 (MANE Select); coding-DNA position 323, G replaced by T.
Protein change: p.Arg108Leu; replaces arginine 108 with leucine.
Molecular consequence: missense variant.
Genome position (GRCh38, 1-based): chr6:49,459,144, C>A on the plus strand (G>T on the coding strand, the complement: MMUT is on the minus strand). VCF-style: chr6-49459144-C-A. GRCh37 (hg19) VCF-style: chr6-49426857-C-A.
Other names: short protein forms R108L.
Identifiers: ClinVar variation 2740273 (VCV002740273.3), dbSNP rs483352778, ClinGen allele CA364404997.

ClinVar aggregate classification (germline): Likely pathogenic (1 of 4 stars; one submission).

gnomAD v4.1: 1 of 1,614,108 alleles (0.000062%); highest among the groups gnomAD compares: East Asian, 0.0022%; no homozygotes.

Submission:

Labcorp Genetics (formerly Invitae), Labcorp
Classification: Likely pathogenic. Last evaluated: 2023-05-22. Review status: criteria provided, single submitter. Criteria: Invitae Variant Classification Sherloc (09022015). Collection method: clinical testing. Allele origin: germline.
Comment: In summary, the currently available evidence indicates that the variant is pathogenic, but additional data are needed to prove that conclusively. Therefore, this variant has been classified as Likely Pathogenic. This variant disrupts the p.Arg108 amino acid residue in MUT. Other variant(s) that disrupt this residue have been determined to be pathogenic (PMID: 16281286, 24464670, 27578510). This suggests that this residue is clinically significant, and that variants that disrupt this residue are likely to be disease-causing. Advanced modeling of protein sequence and biophysical properties (such as structural, functional, and spatial information, amino acid conservation, physicochemical variation, residue mobility, and thermodynamic stability) performed at Invitae indicates that this missense variant is expected to disrupt MUT protein function. This variant has not been reported in the literature in individuals affected with MUT-related conditions. This variant is not present in population databases (gnomAD no frequency). This sequence change replaces arginine, which is basic and polar, with leucine, which is neutral and non-polar, at codon 108 of the MUT protein (p.Arg108Leu).

Literature cited by the submitters: PubMed 16281286; PubMed 24464670; PubMed 27578510.